The following is an entry in ClinVar:

NM_000545.8(HNF1A):c.410C>G (p.Thr137Ser)

Gene: HNF1A (HNF1 homeobox A; plus strand). Cytogenetic location: 12q24.31.
Variant type: single nucleotide variant.
Coding change: c.410C>G on transcript NM_000545.8 (MANE Select); coding-DNA position 410, C replaced by G.
Protein change: p.Thr137Ser; replaces threonine 137 with serine.
Molecular consequence: missense variant.
Genome position (GRCh38, 1-based): chr12:120,988,916, C>G. VCF-style: chr12-120988916-C-G. GRCh37 (hg19) VCF-style: chr12-121426719-C-G.
Other names: NM_001306179.2:c.410C>G; c.410C>G, p.Thr137Ser (NM_001306179.2); short protein forms T137S.
Identifiers: ClinVar variation 1327592 (VCV001327592.4), dbSNP rs1876671890, ClinGen allele CA386959674.

ClinVar aggregate classification (germline): Uncertain significance (3 of 4 stars; one submission).

Conditions:
Monogenic diabetes. Identifiers: Orphanet 183625, MedGen C3888631, MONDO:0015967.

Submission:

ClinGen Monogenic Diabetes Variant Curation Expert Panel
Classification: Uncertain significance for Monogenic diabetes. Last evaluated: 2025-09-26. Review status: reviewed by expert panel. Criteria: ClinGen Diabetes ACMG Specifications HNF1A V3.0.0. Collection method: curation. Allele origin: germline. Inheritance: Autosomal dominant inheritance.
Comment: The c.410C>G variant in the HNF1 homeobox A gene, HNF1A, causes an amino acid change of threonine to serine at codon 137 (p.(Thr137Ser)) of NM_000545.8. This variant is located within the DNA binding domain (codons 107-174) of HNF1A, which is defined as critical for the protein’s function by the ClinGen MDEP (PM1_Supporting). This variant is absent from gnomAD v2.1.1 and v4.1.0 (PM2_Supporting). This variant is predicted to be deleterious by computational evidence, with a REVEL score of 0.952, which is greater than the MDEP threshold of 0.70 (PP3). This variant was identified in two unrelated individuals who do not have autoimmune or absolute/near-absolute insulin-deficient diabetes; however, PS4_Moderate cannot be applied because this number is below the ClinGen MDEP threshold (PMID 18003757, internal lab contributors). However, one of these individuals had a clinical history highly specific for HNF1A-MODY (MODY probability calculator result >50%, negative genetic testing for HNF4A) (PP4; internal lab contributor). Taken together, this variant meets the criteria to be classified as a VUS for monogenic diabetes. ACMG/AMP criteria applied, as specified by the ClinGen MDEP VCEP (specification version 3.0, approved 6/30/2025): PP3, PP4, PM1_Supporting, PM2_Supporting).

Literature cited by the submitters: PubMed 18003757.